The following is an entry in ClinVar:

NM_052947.4(ALPK2):c.1036A>T (p.Arg346Trp)

Genes: ALPK2 (alpha kinase 2; minus strand), LOC114803473 (ALPK2 eExon liver enhancer; plus strand). Cytogenetic location: 18q21.31.
Variant type: single nucleotide variant.
Coding change: c.1036A>T on transcript NM_052947.4 (MANE Select); coding-DNA position 1036, A replaced by T.
Protein change: p.Arg346Trp; replaces arginine 346 with tryptophan.
Molecular consequence: missense variant.
Genome position (GRCh38, 1-based): chr18:58,579,740, T>A on the plus strand (A>T on the coding strand, the complement: ALPK2 is on the minus strand). VCF-style: chr18-58579740-T-A. GRCh37 (hg19) VCF-style: chr18-56246972-T-A.
Other names: short protein forms R346W.
Identifiers: ClinVar variation 1772639 (VCV001772639.2), dbSNP rs1647383166, ClinGen allele CA402565003.

ClinVar aggregate classification (germline): Uncertain significance (1 of 4 stars; one submission).

Allele frequency attached by ClinVar (database versions not stated): gnomAD 0.00001; TOPMed 0.00001.

Submission:

Ambry Genetics
Classification: Uncertain significance. Last evaluated: 2022-10-29. Review status: criteria provided, single submitter. Criteria: Ambry Variant Classification Scheme 2023. Collection method: clinical testing. Allele origin: germline.
Comment: The p.R346W variant (also known as c.1036A>T), located in coding exon 3 of the ALPK2 gene, results from an A to T substitution at nucleotide position 1036. The arginine at codon 346 is replaced by tryptophan, an amino acid with dissimilar properties. This amino acid position is conserved. In addition, this alteration is predicted to be tolerated by in silico analysis. Since supporting evidence is limited at this time, the clinical significance of this alteration remains unclear.